The following is an entry in ClinVar:

Conditions:
Arteriohepatic dysplasia. Also called: Alagille Syndrome. Identifiers: Orphanet 52, MedGen C0085280, MeSH D016738, MONDO:0007318.

Submission:

Gilbert/Spinner Lab, Children's Hospital of Philadelphia
No classification provided (evidence only). Condition: Alagille syndrome. Review status: no classification provided. Collection method: research. Allele origin: not applicable. Functional consequence: functionally_abnormal.
ClinVar note: "not provided" was previously submitted as the classification for the variant. However, the classification appeared to be based only on an observation of functional data so it was converted to no classification on 2025-07-30.

NM_000214.3(JAG1):c.426T>A (p.Ser142Arg)

Gene: JAG1 (jagged canonical Notch ligand 1; minus strand). Cytogenetic location: 20p12.2.
Variant type: single nucleotide variant.
Coding change: c.426T>A on transcript NM_000214.3 (MANE Select); coding-DNA position 426, T replaced by A.
Protein change: p.Ser142Arg; replaces serine 142 with arginine.
Molecular consequence: missense variant.
Genome position (GRCh38, 1-based): chr20:10,663,976, A>T on the plus strand (T>A on the coding strand, the complement: JAG1 is on the minus strand). VCF-style: chr20-10663976-A-T. GRCh37 (hg19) VCF-style: chr20-10644624-A-T.
Other names: short protein forms S142R.
Identifiers: ClinVar variation 3573308 (VCV003573308.2).